The following is an entry in ClinVar:

NM_001854.4(COL11A1):c.1899+16T>G

Gene: COL11A1 (collagen type XI alpha 1 chain; minus strand). Cytogenetic location: 1p21.1.
Variant type: single nucleotide variant.
Coding change: c.1899+16T>G on transcript NM_001854.4 (MANE Select); 16 bases into the intron after coding-DNA position 1899, T replaced by G.
Molecular consequence: intron variant.
Genome position (GRCh38, 1-based): chr1:103,004,592, A>C on the plus strand (T>G on the coding strand, the complement: COL11A1 is on the minus strand). VCF-style: chr1-103004592-A-C. GRCh37 (hg19) VCF-style: chr1-103470148-A-C.
Other names: c.1782+16T>G (NM_001190709.2); c.1935+16T>G (NM_080629.3); c.1551+16T>G (NM_080630.4).
Identifiers: ClinVar variation 391634 (VCV000391634.7), dbSNP rs767808576, ClinGen allele CA974765.

ClinVar aggregate classification (germline): Likely benign. Review status: criteria provided, multiple submitters, no conflicts (2 of 4 stars). 5 submissions from 5 submitters: Likely benign (5). Last evaluated 2025-11-21.

Conditions:
Connective tissue disorder. Also called: Connective tissue disease. Identifiers: MedGen C0009782, MONDO:0003900.

Allele frequency attached by ClinVar (database versions not stated): gnomAD 0.00001; TOPMed 0.00003; gnomAD exomes 0.00004 and 0.00005; ExAC 0.00010.
gnomAD v4.1: 59 of 1,602,342 alleles (0.0037%); highest among the groups gnomAD compares: Non-Finnish European, 0.0023%; 1 homozygote.

Submissions (5):

Labcorp Genetics (formerly Invitae), Labcorp
Classification: Likely benign. Last evaluated: 2025-11-21. Review status: criteria provided, single submitter. Criteria: Invitae Variant Classification Sherloc (09022015). Collection method: clinical testing. Allele origin: germline.

Women's Health and Genetics/Laboratory Corporation of America, LabCorp
Classification: Likely benign. Last evaluated: 2025-03-25. Review status: criteria provided, single submitter. Criteria: LabCorp Variant Classification Summary - May 2015. Collection method: clinical testing. Allele origin: germline.

Blueprint Genetics
Classification: Likely benign. Last evaluated: 2023-07-13. Review status: criteria provided, single submitter. Criteria: ACMG Guidelines, 2015. Collection method: clinical testing. Allele origin: germline.

GeneDx
Classification: Likely benign. Last evaluated: 2016-12-12. Review status: criteria provided, single submitter. Criteria: GeneDx Variant Classification (06012015). Collection method: clinical testing. Allele origin: germline. Affected: yes.
Comment: This variant is considered likely benign or benign based on one or more of the following criteria: it is a conservative change, it occurs at a poorly conserved position in the protein, it is predicted to be benign by multiple in silico algorithms, and/or has population frequency not consistent with disease.

Center for Human Genetics, Inc
Classification: Likely benign for Connective tissue disorder. Last evaluated: 2016-11-01. Review status: criteria provided, single submitter. Criteria: ACMG Guidelines, 2015. Collection method: clinical testing. Allele origin: germline. Affected: yes.